The following is an entry in ClinVar:

NM_000126.4(ETFA):c.703T>C (p.Tyr235His)

Gene: ETFA (electron transfer flavoprotein subunit alpha; minus strand). Cytogenetic location: 15q24.2.
Variant type: single nucleotide variant.
Coding change: c.703T>C on transcript NM_000126.4 (MANE Select); coding-DNA position 703, T replaced by C.
Protein change: p.Tyr235His; replaces tyrosine 235 with histidine.
Molecular consequence: missense variant.
Genome position (GRCh38, 1-based): chr15:76,283,787, A>G on the plus strand (T>C on the coding strand, the complement: ETFA is on the minus strand). VCF-style: chr15-76283787-A-G. GRCh37 (hg19) VCF-style: chr15-76576128-A-G.
Other names: c.556T>C, p.Tyr186His (NM_001127716.2); short protein forms Y186H, Y235H.
Identifiers: ClinVar variation 3351921 (VCV003351921.1).
Genomic context (GRCh38, chr15:76,283,787, plus strand): 5'-ATATCTTTCTACTAAGGAAAATAACTTTACCTGCAGCATGTAGTTGATCTGCCAAGTCAT[A>G]TAACAACTTAAAGTTCTCTCCACTCTTCAAGCCTCGACCTCATTTAAAAAGATGAAAAAA-3'
Protein context (NP_000117.1, residues 225-245): LKSGENFKLL[Tyr235His]DLADQLHAAV

ClinVar aggregate classification (germline): Uncertain significance (0 of 4 stars; one submission).

Conditions:
ETFA-related disorder. Also called: ETFA-related condition.

gnomAD v4.1: 17 of 1,612,274 alleles (0.0011%); highest among the groups gnomAD compares: East Asian, 0.0022%; no homozygotes.

Submission:

PreventionGenetics, part of Exact Sciences
Classification: Uncertain significance for ETFA-related condition. Last evaluated: 2024-03-29. Review status: no assertion criteria provided. Collection method: clinical testing. Allele origin: germline.
Comment: The ETFA c.703T>C variant is predicted to result in the amino acid substitution p.Tyr235His. To our knowledge, this variant has not been reported in the literature. This variant is reported in 0.0033% of alleles in individuals of South Asian descent in gnomAD. At this time, the clinical significance of this variant is uncertain due to the absence of conclusive functional and genetic evidence.